The following is an entry in ClinVar:

ClinVar aggregate classification (germline): Benign/Likely benign. Review status: criteria provided, multiple submitters, no conflicts (2 of 4 stars). 11 submissions from 11 submitters: Benign (5); Likely benign (5). 1 of the submissions does not count toward it. Last evaluated 2026-08-01.

Conditions:
ZNF469-related disorder. Also called: ZNF469-related condition.
Cardiovascular phenotype. Identifiers: MedGen CN230736.
Ehlers-Danlos syndrome (EDS). Identifiers: Orphanet 98249, MedGen C0013720, MONDO:0020066.
Brittle cornea syndrome 1 (BCS1). Also called: DYSGENESIS MESODERMALIS CORNEAE ET SCLERAE; Corneal fragility keratoglobus, blue sclerae AND joint hypermobility; CORNEAL FRAGILITY, KERATOGLOBUS, BLUE SCLERAE, JOINT HYPEREXTENSIBILITY; EDS6B; FRAGILITAS OCULI WITH JOINT HYPEREXTENSIBILITY. Identifiers: Orphanet 90354, MedGen C0268344, MONDO:0024543, OMIM 229200.

Allele frequency attached by ClinVar (database versions not stated): 1000 Genomes Project 30x 0.00047; gnomAD 0.00223; TOPMed 0.00239.
gnomAD v4.1: 5,387 of 1,546,284 alleles (0.35%); highest among the groups gnomAD compares: Non-Finnish European, 0.43%; 19 homozygotes.

Submissions (11):

CeGaT Center for Human Genetics Tuebingen
Classification: Likely benign. Last evaluated: 2026-08-01. Review status: criteria provided, single submitter. Criteria: CeGaT Center For Human Genetics Tuebingen Variant Classification Criteria Version 2. Collection method: clinical testing. Allele origin: germline. Affected: yes. Observed: 35 variant alleles.
Comment: ZNF469: BP4, BS2

Women's Health and Genetics/Laboratory Corporation of America, LabCorp
Classification: Likely benign. Last evaluated: 2026-04-01. Review status: criteria provided, single submitter. Criteria: LabCorp Variant Classification Summary - May 2015. Collection method: clinical testing. Allele origin: germline.
Comment: Variant summary: ZNF469 c.10327G>C (p.Gly3443Arg) results in a non-conservative amino acid change in the encoded protein sequence. Algorithms developed to predict the effect of missense changes on protein structure and function are either unavailable or do not agree on the potential impact of this missense change. The variant allele was found at a frequency of 0.0022 in 144634 control chromosomes, predominantly at a frequency of 0.0042 within the Non-Finnish European subpopulation in the gnomAD database, including 1 homozygotes. The observed variant frequency within Non-Finnish European control individuals in the gnomAD database exceeds the estimated maximal expected allele frequency for disease-causing variants in ZNF469. To our knowledge, no occurrence of c.10327G>C in individuals affected with ZNF469-related conditions and no experimental evidence demonstrating its impact on protein function have been reported. ClinVar contains an entry for this variant (Variation ID: 388236). Based on the evidence outlined above, the variant was classified as likely benign.

Labcorp Genetics (formerly Invitae), Labcorp
Classification: Benign. Last evaluated: 2026-02-01. Review status: criteria provided, single submitter. Criteria: Invitae Variant Classification Sherloc (09022015). Collection method: clinical testing. Allele origin: germline.

Blueprint Genetics
Classification: Likely benign. Last evaluated: 2024-11-26. Review status: criteria provided, single submitter. Criteria: ACMG Guidelines, 2015. Collection method: clinical testing. Allele origin: germline.

Mayo Clinic Laboratories, Mayo Clinic
Classification: Benign. Last evaluated: 2023-02-01. Review status: criteria provided, single submitter. Criteria: ACMG Guidelines, 2015. Collection method: clinical testing. Allele origin: germline. Observed: 19 variant alleles.
Comment: BS1, BS2, BP4_strong

Genome Diagnostics Laboratory, The Hospital for Sick Children
Classification: Benign for Ehlers-Danlos syndrome. Last evaluated: 2022-06-13. Review status: criteria provided, single submitter. Criteria: ACMG Guidelines, 2015. Collection method: clinical testing. Allele origin: germline.

Genome-Nilou Lab
Classification: Benign for Brittle cornea syndrome 1. Last evaluated: 2021-12-05. Review status: criteria provided, single submitter. Criteria: ACMG Guidelines, 2015. Collection method: clinical testing. Allele origin: germline. Affected: no.

GeneDx
Classification: Likely benign. Last evaluated: 2021-03-23. Review status: criteria provided, single submitter. Criteria: GeneDx Variant Classification Process June 2021. Collection method: clinical testing. Allele origin: germline. Affected: yes.

Department of Pathology and Laboratory Medicine, Sinai Health System
Classification: Likely benign for Brittle cornea syndrome 1. Last evaluated: 2020-01-28. Review status: criteria provided, single submitter. Criteria: ACMG Guidelines, 2015. Collection method: research. Allele origin: germline.

Ambry Genetics
Classification: Benign for Cardiovascular phenotype. Last evaluated: 2019-05-22. Review status: criteria provided, single submitter. Criteria: Ambry Variant Classification Scheme 2023. Collection method: clinical testing. Allele origin: germline.

PreventionGenetics, part of Exact Sciences
Classification: Likely benign for ZNF469-related condition. Last evaluated: 2022-02-14. Review status: no assertion criteria provided. Collection method: clinical testing. Allele origin: germline. Not counted in ClinVar's aggregate classification.
Comment: This variant is classified as likely benign based on ACMG/AMP sequence variant interpretation guidelines (Richards et al. 2015 PMID: 25741868, with internal and published modifications).

NM_001367624.2(ZNF469):c.10327G>C (p.Gly3443Arg)

Gene: ZNF469 (zinc finger protein 469; plus strand). Cytogenetic location: 16q24.2.
Variant type: single nucleotide variant.
Coding change: c.10327G>C on transcript NM_001367624.2 (MANE Select); coding-DNA position 10327, G replaced by C.
Protein change: p.Gly3443Arg; replaces glycine 3443 with arginine.
Molecular consequence: missense variant.
Genome position (GRCh38, 1-based): chr16:88,437,797, G>C. VCF-style: chr16-88437797-G-C. GRCh37 (hg19) VCF-style: chr16-88504205-G-C.
Other names: NM_001127464.1:c.10243G>C; NM_001127464.2:c.10243G>C; p.Gly3443Arg; short protein forms G3443R.
Identifiers: ClinVar variation 388236 (VCV000388236.62), dbSNP rs532857190, ClinGen allele CA8225496.